The following is an entry in ClinVar:

ClinVar aggregate classification (germline): Uncertain significance (1 of 4 stars; one submission).

Conditions:
Kleefstra syndrome 1 (KLEFS1). Identifiers: Orphanet 261494, MedGen C0795833, MONDO:0027407, OMIM 610253.

Submission:

Labcorp Genetics (formerly Invitae), Labcorp
Classification: Uncertain significance for Kleefstra syndrome 1. Last evaluated: 2020-01-27. Review status: criteria provided, single submitter. Criteria: Invitae Variant Classification Sherloc (09022015). Collection method: clinical testing. Allele origin: germline.
Comment: Algorithms developed to predict the effect of missense changes on protein structure and function do not agree on the potential impact of this missense change (SIFT: "Tolerated"; PolyPhen-2: "Possibly Damaging"; Align-GVGD: "Class C0"). In summary, the available evidence is currently insufficient to determine the role of this variant in disease. Therefore, it has been classified as a Variant of Uncertain Significance. This variant has not been reported in the literature in individuals with EHMT1-related disease. This sequence change replaces glycine with glutamic acid at codon 157 of the EHMT1 protein (p.Gly157Glu). The glycine residue is moderately conserved and there is a moderate physicochemical difference between glycine and glutamic acid. This variant is not present in population databases (ExAC no frequency).

NM_024757.5(EHMT1):c.470G>A (p.Gly157Glu)

Gene: EHMT1 (euchromatic histone lysine methyltransferase 1; plus strand). Cytogenetic location: 9q34.3.
Variant type: single nucleotide variant.
Coding change: c.470G>A on transcript NM_024757.5 (MANE Select); coding-DNA position 470, G replaced by A.
Protein change: p.Gly157Glu; replaces glycine 157 with glutamic acid.
Molecular consequence: missense variant.
Genome position (GRCh38, 1-based): chr9:137,717,010, G>A. VCF-style: chr9-137717010-G-A. GRCh37 (hg19) VCF-style: chr9-140611462-G-A.
Other names: c.470G>A, p.Gly157Glu (NM_001145527.2, NM_001354263.2, NM_001354611.2); c.377G>A, p.Gly126Glu (NM_001354259.2, NM_001354612.2); short protein forms G157E, G126E.
Identifiers: ClinVar variation 531858 (VCV000531858.9), dbSNP rs1554846686, ClinGen allele CA375765258.